The following is an entry in ClinVar:

ClinVar aggregate classification (germline): Conflicting classifications of pathogenicity. Review status: criteria provided, conflicting classifications (1 of 4 stars). 4 submissions from 4 submitters: Uncertain significance (2); Likely benign (1). 1 of the submissions does not count toward it. Last evaluated 2026-08-24.

Conditions:
Retinal dystrophy. Also called: Inherited retinal dystrophy. Identifiers: Orphanet 71862, MedGen C0854723, MeSH D058499, MONDO:0019118, HP:0000556.
Retinitis pigmentosa (RP). Identifiers: Orphanet 791, MedGen C0035334, MeSH D012174, MONDO:0019200, OMIM 268000. Inheritance: Autosomal dominant, autosomal recessive and X linked inheritance.
Spontaneous tooth loss. Identifiers: MedGen C0232513, HP:0006480.
Congenital heart disease (CHD). Identifiers: MedGen C0152021, MONDO:0005453. Disease mechanism: unknown.
Wagner disease. Also called: WAGNER VITREORETINOPATHY; WAGNER SYNDROME 1; HYALOIDEORETINAL DEGENERATION OF WAGNER; Wagner syndrome; WAGNER VITREORETINAL DEGENERATION; Wagner Vitreoretinal Degeneration (Wagner Synrdome). Identifiers: Orphanet 898, MedGen C1840452, MONDO:0007740, OMIM 143200.
VCAN-related disorder. Also called: VCAN-related condition.

Submissions (4):

PreventionGenetics, part of Exact Sciences
Classification: Uncertain significance for VCAN-related condition. Last evaluated: 2026-08-24. Review status: criteria provided, single submitter. Criteria: ACMG Guidelines, 2015. Collection method: clinical testing. Allele origin: germline.
Comment: The VCAN c.4182_4184delAGA variant is predicted to result in an in-frame deletion (p.Glu1395del). To our knowledge, this variant has not been reported in the literature. This variant is reported in 0.046% of alleles in individuals of European (Non-Finnish) descent in gnomAD. Although we suspect that this variant may be benign, at this time, the clinical significance of this variant is uncertain due to the absence of conclusive functional and genetic evidence.

Labcorp Genetics (formerly Invitae), Labcorp
Classification: Uncertain significance. Last evaluated: 2026-01-01. Review status: criteria provided, single submitter. Criteria: Invitae Variant Classification Sherloc (09022015). Collection method: clinical testing. Allele origin: germline.
Comment: This variant, c.4182_4184del, results in the deletion of 1 amino acid(s) of the VCAN protein (p.Glu1395del), but otherwise preserves the integrity of the reading frame. This variant is present in population databases (rs758450587, gnomAD 0.05%), and has an allele count higher than expected for a pathogenic variant. This variant has not been reported in the literature in individuals affected with VCAN-related conditions. ClinVar contains an entry for this variant (Variation ID: 1004935). Experimental studies and prediction algorithms are not available or were not evaluated, and the functional significance of this variant is currently unknown. In summary, the available evidence is currently insufficient to determine the role of this variant in disease. Therefore, it has been classified as a Variant of Uncertain Significance.

Blueprint Genetics
Classification: Likely benign. Last evaluated: 2024-11-15. Review status: criteria provided, single submitter. Criteria: ACMG Guidelines, 2015. Collection method: clinical testing. Allele origin: germline.

Institute of Human Genetics, Univ. Regensburg, Univ. Regensburg
Classification: Uncertain significance for Retinal dystrophy. Last evaluated: 2023-01-01. Review status: no assertion criteria provided. Criteria: ACMG Guidelines, 2015. Collection method: clinical testing. Allele origin: germline. Affected: yes. Not counted in ClinVar's aggregate classification.

NM_004385.5(VCAN):c.4170AGA[4] (p.Glu1395del)

Genes: VCAN-AS1 (VCAN antisense RNA 1; minus strand), VCAN (versican; plus strand). Cytogenetic location: 5q14.3.
Variant type: Microsatellite.
Coding change: c.4170AGA[4] on transcript NM_004385.5 (MANE Select); four copies in a row of the 3-base unit AGA starting at c.4170; the reference has five copies in a row; one copy, 3 bases deleted; also written c.4182_4184del.
Protein change: p.Glu1395del; deletes glutamic acid 1395.
Molecular consequence: inframe deletion. On other transcripts: intron variant (2).
Genome position (GRCh38, 1-based): chr5:83,537,185-83,537,187, AGA deleted; deleting any 3 consecutive bases within chr5:83,537,171-83,537,187 gives the same sequence; the position shown is the placement nearest the transcript's 3' end. VCF-style (leftmost placement, unchanged base first): chr5-83537170-TGAA-T. GRCh37 (hg19) VCF-style: chr5-82832989-TGAA-T.
Other names: c.4182_4184delAGA (NM_004385.4); c.4182_4184del (NM_004385.4, NM_004385.5); c.1209AGA[4], p.Glu408del (NM_001164097.2); c.4004-8366GAA[4] (NM_001164098.2); c.1043-8366GAA[4] (NM_001126336.3); short protein forms E1395del, E408del.
Identifiers: ClinVar variation 1004935 (VCV001004935.10), dbSNP rs752532806, ClinGen allele CA3333131.